The following is an entry in ClinVar:

NM_001201543.2(FAM161A):c.730del (p.Gln243_Met244insTer)

Gene: FAM161A (FAM161 centrosomal protein A; minus strand). Cytogenetic location: 2p15.
Variant type: Deletion.
Coding change: c.730del on transcript NM_001201543.2 (MANE Select); coding-DNA position 730, one base deleted (A; older notation c.730delA).
Protein change: p.Gln243_Met244insTer.
Molecular consequence: nonsense. On other transcripts: non-coding transcript variant (1).
Genome position (GRCh38, 1-based): chr2:61,840,274, T deleted on the plus strand (A on the coding strand, the reverse complement: FAM161A is on the minus strand); the first of 3 consecutive T bases (chr2:61,840,274-61,840,276); deleting any one gives the same sequence. VCF-style (leftmost placement, unchanged base first): chr2-61840273-AT-A. GRCh37 (hg19) VCF-style: chr2-62067408-AT-A.
Other names: c.730del, p.Gln243_Met244insTer (NM_032180.3).
Identifiers: ClinVar variation 871170 (VCV000871170.48), dbSNP rs1167380267, ClinGen allele CA770983278.

ClinVar aggregate classification (germline): Pathogenic/Likely pathogenic. Review status: criteria provided, multiple submitters, no conflicts (2 of 4 stars). 4 submissions from 4 submitters: Pathogenic (3); Likely pathogenic (1). Last evaluated 2025-02-19.

Conditions:
Retinal dystrophy. Also called: Inherited retinal dystrophy. Identifiers: Orphanet 71862, MedGen C0854723, MeSH D058499, MONDO:0019118, HP:0000556.
Retinitis pigmentosa 28 (RP28). Identifiers: Orphanet 791, MedGen C1419614, MONDO:0011630, OMIM 606068.

Submissions (4):

Myriad Genetics, Inc.
Classification: Pathogenic for Retinitis pigmentosa 28. Last evaluated: 2025-02-19. Review status: criteria provided, single submitter. Criteria: Myriad Autosomal Dominant, Autosomal Recessive and X-Linked Classification Criteria (2023). Collection method: clinical testing. Allele origin: unknown.
Comment: NM_001201543.1(FAM161A):c.730delA(M244*) is frameshift variant classified as pathogenic in the context of retinitis pigmentosa, FAM161A-related. M244* has been observed in cases with relevant disease (PMID: 39462066, 30902645). Relevant functional assessments of this variant are not available in the literature. M244* has not been observed in referenced population frequency databases. In summary, NM_001201543.1(FAM161A):c.730delA(M244*) is a frameshift variant in a gene where loss of function is a known mechanism of disease, is predicted to disrupt protein function, and has been observed more frequently in cases with the relevant disease than in healthy populations. Please note: this variant was assessed in the context of healthy population screening.

Labcorp Genetics (formerly Invitae), Labcorp
Classification: Pathogenic. Last evaluated: 2022-07-19. Review status: criteria provided, single submitter. Criteria: Invitae Variant Classification Sherloc (09022015). Collection method: clinical testing. Allele origin: germline.
Comment: For these reasons, this variant has been classified as Pathogenic. ClinVar contains an entry for this variant (Variation ID: 871170). This variant has not been reported in the literature in individuals affected with FAM161A-related conditions. This variant is not present in population databases (gnomAD no frequency). This sequence change creates a premature translational stop signal (p.Met244*) in the FAM161A gene. It is expected to result in an absent or disrupted protein product. Loss-of-function variants in FAM161A are known to be pathogenic (PMID: 20705278, 20705279, 24651477).

CeGaT Center for Human Genetics Tuebingen
Classification: Pathogenic. Last evaluated: 2017-05-01. Review status: criteria provided, single submitter. Criteria: CeGaT Center For Human Genetics Tuebingen Variant Classification Criteria Version 2. Collection method: clinical testing. Allele origin: germline. Affected: yes. Observed: 1 variant allele.

Institute of Human Genetics, Univ. Regensburg, Univ. Regensburg
Classification: Likely pathogenic for Retinal dystrophy. Last evaluated: 2015-01-01. Review status: criteria provided, single submitter. Criteria: ACMG Guidelines, 2015. Collection method: clinical testing. Allele origin: germline. Affected: yes.

Literature cited by the submitters: PubMed 30902645 (cited by Myriad Genetics, Inc. and Institute of Human Genetics, Univ. Regensburg, Univ. Regensburg); PubMed 39462066 (cited by Myriad Genetics, Inc.); PubMed 20705278 (cited by Labcorp Genetics (formerly Invitae), Labcorp); PubMed 20705279 (cited by Labcorp Genetics (formerly Invitae), Labcorp); PubMed 24651477 (cited by Labcorp Genetics (formerly Invitae), Labcorp).